The following is an entry in ClinVar:

NM_001303256.3(MORC2):c.1817C>T (p.Pro606Leu)

Gene: MORC2 (MORC family CW-type zinc finger 2; minus strand). Cytogenetic location: 22q12.2.
Variant type: single nucleotide variant.
Coding change: c.1817C>T on transcript NM_001303256.3 (MANE Select); coding-DNA position 1817, C replaced by T.
Protein change: p.Pro606Leu; replaces proline 606 with leucine.
Molecular consequence: missense variant.
Genome position (GRCh38, 1-based): chr22:30,935,157, G>A on the plus strand (C>T on the coding strand, the complement: MORC2 is on the minus strand). VCF-style: chr22-30935157-G-A. GRCh37 (hg19) VCF-style: chr22-31331144-G-A.
Other names: c.1817C>T, p.Pro606Leu (NM_001303257.2); c.1631C>T, p.Pro544Leu (NM_014941.3); short protein forms P606L, P544L.
Identifiers: ClinVar variation 662463 (VCV000662463.38), dbSNP rs1602482166, ClinGen allele CA411236035.

ClinVar aggregate classification (germline): Uncertain significance. Review status: criteria provided, multiple submitters, no conflicts (2 of 4 stars). 3 submissions from 3 submitters: Uncertain significance (3). Last evaluated 2024-10-15.

Conditions:
Charcot-Marie-Tooth disease axonal type 2Z. Also called: CHARCOT-MARIE-TOOTH DISEASE, AXONAL, AUTOSOMAL DOMINANT, TYPE 2Z; CHARCOT-MARIE-TOOTH NEUROPATHY, TYPE 2Z. Identifiers: Orphanet 466768, MedGen C5569025, MONDO:0014736, OMIM 616688.

Allele frequency attached by ClinVar (database versions not stated): gnomAD exomes below 0.00001.
gnomAD v4.1: 2 of 1,611,828 alleles (0.00012%); highest among the groups gnomAD compares: Non-Finnish European, 0.00017%; no homozygotes.

Submissions (3):

Labcorp Genetics (formerly Invitae), Labcorp
Classification: Uncertain significance for Charcot-Marie-Tooth disease axonal type 2Z. Last evaluated: 2024-10-15. Review status: criteria provided, single submitter. Criteria: Invitae Variant Classification Sherloc (09022015). Collection method: clinical testing. Allele origin: germline.
Comment: This sequence change replaces proline, which is neutral and non-polar, with leucine, which is neutral and non-polar, at codon 606 of the MORC2 protein (p.Pro606Leu). This variant is not present in population databases (gnomAD no frequency). This variant has not been reported in the literature in individuals affected with MORC2-related conditions. ClinVar contains an entry for this variant (Variation ID: 662463). Invitae Evidence Modeling of protein sequence and biophysical properties (such as structural, functional, and spatial information, amino acid conservation, physicochemical variation, residue mobility, and thermodynamic stability) indicates that this missense variant is not expected to disrupt MORC2 protein function with a negative predictive value of 80%. In summary, the available evidence is currently insufficient to determine the role of this variant in disease. Therefore, it has been classified as a Variant of Uncertain Significance.

ARUP Laboratories, Molecular Genetics and Genomics, ARUP Laboratories
Classification: Uncertain significance. Last evaluated: 2023-10-13. Review status: criteria provided, single submitter. Criteria: ARUP Molecular Germline Variant Investigation Process 2024. Collection method: clinical testing. Allele origin: germline.
Comment: The MORC2 c.1817C>T; p.Pro606Leu variant (rs1602482166), to our knowledge, is not reported in the medical literature but is reported in ClinVar (Variation ID: 662463). This variant is also absent from the Genome Aggregation Database, indicating it is not a common polymorphism. Computational analyses predict that this variant is neutral (REVEL: 0.081). Due to limited information, the clinical significance of this variant is uncertain at this time.

CeGaT Center for Human Genetics Tuebingen
Classification: Uncertain significance. Last evaluated: 2022-05-01. Review status: criteria provided, single submitter. Criteria: CeGaT Center For Human Genetics Tuebingen Variant Classification Criteria Version 2. Collection method: clinical testing. Allele origin: germline. Affected: yes. Observed: 1 variant allele.
Comment: MORC2: PM2, PP2, BP4